The following is an entry in ClinVar:

ClinVar aggregate classification (germline): Likely pathogenic (1 of 4 stars; one submission).

Conditions:
Trichorhinophalangeal dysplasia type I (TRPS1). Also called: TRICHORHINOPHALANGEAL SYNDROME, TYPE I; TRPS I. Identifiers: Orphanet 77258, MedGen C0432233, MONDO:0008596, OMIM 190350.

Submission:

Neuberg Centre For Genomic Medicine, NCGM
Classification: Likely pathogenic for Trichorhinophalangeal dysplasia type I. Review status: criteria provided, single submitter. Criteria: ACMG Guidelines, 2015. Collection method: clinical testing. Allele origin: germline. Inheritance: Autosomal dominant inheritance. Affected: yes.
Comment: The observed frameshift variant c.782_785dup(p.Leu263ArgfsTer4) in the TRPS1 gene has not been reported previously as a pathogenic variant nor as a benign variant, to our knowledge. This variant is absent in the gnomAD Exomes. This variant causes a frameshift starting with codon Leucine 263, changes this amino acid to Arginine residue, and creates a premature Stop codon at position 4 of the new reading frame, denoted p.Leu263ArgfsTer4. This variant is predicted to cause loss of normal protein function through protein truncation. Loss of function variants have been previously reported to be disease causing (Ergoren MC, et al., 2022). For these reasons, this variant has been classified as Likely Pathogenic.

NM_014112.5(TRPS1):c.782_785dup (p.Leu263fs)

Gene: TRPS1 (transcriptional repressor GATA binding 1; minus strand). Cytogenetic location: 8q23.3.
Variant type: Duplication.
Coding change: c.782_785dup on transcript NM_014112.5 (MANE Select); coding-DNA positions 782 to 785, 4 bases duplicated (TAGG; older notation c.782_785dupTAGG).
Protein change: p.Leu263fs; shifts the reading frame from leucine 263.
Molecular consequence: frameshift variant.
Genome position (GRCh38, 1-based): chr8:115,619,313-115,619,316, CCTA duplicated on the plus strand (TAGG on the coding strand, the reverse complement: TRPS1 is on the minus strand). VCF-style (leftmost placement, unchanged base first): chr8-115619312-T-TCCTA. GRCh37 (hg19) VCF-style: chr8-116631539-T-TCCTA.
Other names: c.755_758dup, p.Leu254fs (NM_001282902.3); c.761_764dup, p.Leu256fs (NM_001282903.3); c.743_746dup, p.Leu250fs (NM_001330599.2); short protein forms L250fs, L254fs, L256fs, L263fs.
Identifiers: ClinVar variation 3377556 (VCV003377556.1).
Genomic context (GRCh38, chr8:115,619,312, plus strand): 5'-GTTATGAAGGGCCAAGATTTTGCTGTCCAGCTCAGCATCTTGCCTGGTGCGGTTATGCAG[T>TCCTA]CCTAAGTGATACTTTCGGAAGTGCTTAATCAGATCTGTGGGGTCGTTGCCGTAGTAACCA-3'